The following is an entry in ClinVar:

ClinVar aggregate classification (germline): Pathogenic (1 of 4 stars; one submission).

Conditions:
Usher syndrome type 1 (USH1). Also called: RETINITIS PIGMENTOSA AND CONGENITAL DEAFNESS. Identifiers: Orphanet 231169, Orphanet 886, MedGen C1568247, MONDO:0010168, OMIM 276900.

Submission:

Myriad Genetics, Inc.
Classification: Pathogenic for Usher syndrome type 1. Last evaluated: 2024-11-23. Review status: criteria provided, single submitter. Criteria: Myriad Autosomal Dominant, Autosomal Recessive and X-Linked Classification Criteria (2023). Collection method: clinical testing. Allele origin: unknown.
Comment: NM_000260.3(MYO7A):c.840delC(L281Wfs*7) is expected to be pathogenic in the context of MYO7A-related disorders. This variant is predicted to lead to an abnormal or absent protein product due to the creation of a premature termination codon in MYO7A, a gene where loss-of-function variants are known to be pathogenic. Please note: this variant was assessed in the context of healthy population screening.

NM_000260.4(MYO7A):c.840del (p.Leu281fs)

Gene: MYO7A (myosin VIIA; plus strand). Cytogenetic location: 11q13.5.
Variant type: Deletion.
Coding change: c.840del on transcript NM_000260.4 (MANE Select); coding-DNA position 840, one base deleted (C; older notation c.840delC).
Protein change: p.Leu281fs; shifts the reading frame from leucine 281.
Molecular consequence: frameshift variant.
Genome position (GRCh38, 1-based): chr11:77,157,383, C deleted. VCF-style (leftmost placement, unchanged base first): chr11-77157382-AC-A. GRCh37 (hg19) VCF-style: chr11-76868428-AC-A.
Other names: c.840del, p.Leu281fs (NM_001127180.2); c.807del, p.Leu270fs (NM_001369365.1); short protein forms L270fs, L281fs.
Identifiers: ClinVar variation 5013792 (VCV005013792.1).